The following is an entry in ClinVar:

NM_001066.3(TNFRSF1B):c.*215C>T

Gene: TNFRSF1B (TNF receptor superfamily member 1B; plus strand). Cytogenetic location: 1p36.22.
Variant type: single nucleotide variant.
Coding change: c.*215C>T on transcript NM_001066.3 (MANE Select); 215 bases downstream of the stop codon, C replaced by T.
Molecular consequence: 3 prime UTR variant.
Genome position (GRCh38, 1-based): chr1:12,207,235, C>T. VCF-style: chr1-12207235-C-T. GRCh37 (hg19) VCF-style: chr1-12267292-C-T.
Identifiers: ClinVar variation 1048803 (VCV001048803.4), dbSNP rs3397, ClinGen allele CA10715259.

ClinVar aggregate classification (germline): Uncertain significance. Review status: no assertion criteria provided (0 of 4 stars). 3 submissions from 1 submitter: Uncertain significance (3). Last evaluated 2023-07-01.

Conditions:
Susceptibility to severe coronavirus disease (COVID-19) due to high plasma levels of TNF, TNFR, and/or TNFR3.
Susceptibility to severe coronavirus disease (COVID-19). Also called: Susceptibility to severe coronavirus disease COVID-19.
Associated with severe COVID-19 disease.

Allele frequency attached by ClinVar (database versions not stated): 1000 Genomes Project 0.40915; 1000 Genomes Project 30x 0.40678; gnomAD exomes 0.60010; TOPMed 0.50606; gnomAD 0.50963 and 0.50937.

Submissions (3):

Pneumogenomics Laboratory, Instituto Nacional de Enfermedades Respiratorias Ismael Cosio Villegas
Classification: Uncertain significance for Associated with severe COVID-19 disease. Last evaluated: 2023-07-01. Review status: no assertion criteria provided. Collection method: research. Allele origin: germline. Affected: yes.

Pneumogenomics Laboratory, Instituto Nacional de Enfermedades Respiratorias Ismael Cosio Villegas
Classification: Uncertain significance for Susceptibility to severe coronavirus disease (COVID-19) due to high plasma levels of TNF, TNFR, and/or TNFR3. Last evaluated: 2021-08-07. Review status: no assertion criteria provided. Collection method: research. Allele origin: germline. Affected: yes.
Comment: Differences in PaO2/FiO2 levels in patients with severe COVID-19

Pneumogenomics Laboratory, Instituto Nacional de Enfermedades Respiratorias Ismael Cosio Villegas
Classification: Uncertain significance for Susceptibility to severe coronavirus disease (COVID-19). Last evaluated: 2021-02-09. Review status: no assertion criteria provided. Collection method: research. Allele origin: germline. Affected: yes.